The following is an entry in ClinVar:

ClinVar aggregate classification (germline): Conflicting classifications of pathogenicity. Review status: criteria provided, conflicting classifications (1 of 4 stars). 4 submissions from 4 submitters: Uncertain significance (3); Likely benign (1). Last evaluated 2026-06-01.

Conditions:
Nephronophthisis 14 (NPHP14). Identifiers: Orphanet 2318, MedGen C3539071, MONDO:0013916, OMIM 614844.
ZNF423-related disorder. Also called: ZNF423-related condition.

Allele frequency attached by ClinVar (database versions not stated): gnomAD exomes 0.00006 and 0.00015; ExAC 0.00016; 1000 Genomes Project 30x 0.00031; gnomAD 0.00038 and 0.00041; 1000 Genomes Project 0.00040; TOPMed 0.00056; ESP Exome Variant Server 0.00092.
gnomAD v4.1: 149 of 1,614,194 alleles (0.0092%); highest among the groups gnomAD compares: African/African-American, 0.16%; no homozygotes.

Submissions (4):

PreventionGenetics, part of Exact Sciences
Classification: Likely benign for ZNF423-related condition. Last evaluated: 2026-06-01. Review status: criteria provided, single submitter. Criteria: ACMG Guidelines, 2015. Collection method: clinical testing. Allele origin: germline.
Comment: This variant is classified as likely benign based on ACMG/AMP sequence variant interpretation guidelines (Richards et al. 2015 PMID: 25741868, with internal and published modifications).

Labcorp Genetics (formerly Invitae), Labcorp
Classification: Uncertain significance for Nephronophthisis 14. Last evaluated: 2025-01-15. Review status: criteria provided, single submitter. Criteria: Invitae Variant Classification Sherloc (09022015). Collection method: clinical testing. Allele origin: germline.
Comment: This sequence change replaces arginine, which is basic and polar, with glutamine, which is neutral and polar, at codon 617 of the ZNF423 protein (p.Arg617Gln). This variant is present in population databases (rs141893384, gnomAD 0.2%). This variant has not been reported in the literature in individuals affected with ZNF423-related conditions. ClinVar contains an entry for this variant (Variation ID: 849220). Invitae Evidence Modeling of protein sequence and biophysical properties (such as structural, functional, and spatial information, amino acid conservation, physicochemical variation, residue mobility, and thermodynamic stability) indicates that this missense variant is not expected to disrupt ZNF423 protein function with a negative predictive value of 80%. In summary, the available evidence is currently insufficient to determine the role of this variant in disease. Therefore, it has been classified as a Variant of Uncertain Significance.

Blueprint Genetics
Classification: Uncertain significance. Last evaluated: 2023-09-20. Review status: criteria provided, single submitter. Criteria: ACMG Guidelines, 2015. Collection method: clinical testing. Allele origin: germline.

Department of Pathology and Laboratory Medicine, Sinai Health System
Classification: Uncertain significance for Nephronophthisis 14. Last evaluated: 2023-04-18. Review status: criteria provided, single submitter. Criteria: ACMG Guidelines, 2015. Collection method: research. Allele origin: germline.

NM_001379286.1(ZNF423):c.1874G>A (p.Arg625Gln)

Gene: ZNF423 (zinc finger protein 423; minus strand). Cytogenetic location: 16q12.1.
Variant type: single nucleotide variant.
Coding change: c.1874G>A on transcript NM_001379286.1 (MANE Select); coding-DNA position 1874, G replaced by A.
Protein change: p.Arg625Gln; replaces arginine 625 with glutamine.
Molecular consequence: missense variant.
Genome position (GRCh38, 1-based): chr16:49,637,302, C>T on the plus strand (G>A on the coding strand, the complement: ZNF423 is on the minus strand). VCF-style: chr16-49637302-C-T. GRCh37 (hg19) VCF-style: chr16-49671213-C-T.
Other names: c.1670G>A, p.Arg557Gln (NM_001271620.2); c.1499G>A, p.Arg500Gln (NM_001330533.2); c.1850G>A, p.Arg617Gln (NM_015069.5); c.1850G>A (NM_015069.4); short protein forms R500Q, R557Q, R617Q, R625Q.
Identifiers: ClinVar variation 849220 (VCV000849220.10), dbSNP rs141893384, ClinGen allele CA8046611.
Genomic context (GRCh38, chr16:49,637,302, plus strand): 5'-CATTGATTGCAAGGATACTCCCCATTGGAGATGGAGTTGGCGCTTGCTGAGAGCCGCTGC[C>T]GCTTCGGGGAAGACACCTCCACATCGGACGAGACTGGGCTCTGCTCGGCCTTGGACTTCT-3'
Protein context (NP_001366215.1, residues 615-635): SSDVEVSSPK[Arg625Gln]QRLSASANSI